The following is an entry in ClinVar:

NM_133259.4(LRPPRC):c.515A>G (p.Tyr172Cys)

Gene: LRPPRC (leucine rich pentatricopeptide repeat containing; minus strand). Cytogenetic location: 2p21.
Variant type: single nucleotide variant.
Coding change: c.515A>G on transcript NM_133259.4 (MANE Select); coding-DNA position 515, A replaced by G.
Protein change: p.Tyr172Cys; replaces tyrosine 172 with cysteine.
Molecular consequence: missense variant.
Genome position (GRCh38, 1-based): chr2:43,977,231, T>C on the plus strand (A>G on the coding strand, the complement: LRPPRC is on the minus strand). VCF-style: chr2-43977231-T-C. GRCh37 (hg19) VCF-style: chr2-44204370-T-C.
Other names: short protein forms Y172C.
Identifiers: ClinVar variation 1310463 (VCV001310463.15), dbSNP rs187584458, ClinGen allele CA1639327.

ClinVar aggregate classification (germline): Uncertain significance. Review status: criteria provided, multiple submitters, no conflicts (2 of 4 stars). 3 submissions from 3 submitters: Uncertain significance (3). Last evaluated 2024-09-20.

Conditions:
Congenital lactic acidosis, Saguenay-Lac-Saint-Jean type (MC4DN5). Also called: CYTOCHROME c OXIDASE DEFICIENCY, FRENCH CANADIAN TYPE; COX DEFICIENCY, FRENCH CANADIAN TYPE; MITOCHONDRIAL COMPLEX IV DEFICIENCY, NUCLEAR TYPE 5. Identifiers: Orphanet 70472, MedGen C1857355, MONDO:0009069, OMIM 220111.

Allele frequency attached by ClinVar (database versions not stated): TOPMed 0.00001; gnomAD exomes 0.00002 and 0.00005; 1000 Genomes Project 0.00020; ExAC 0.00003; gnomAD 0.00003; 1000 Genomes Project 30x 0.00031.
gnomAD v4.1: 31 of 1,601,638 alleles (0.0019%); highest among the groups gnomAD compares: Middle Eastern, 0.017%; no homozygotes.

Submissions (3):

GeneDx
Classification: Uncertain significance. Last evaluated: 2024-09-20. Review status: criteria provided, single submitter. Criteria: GeneDx Variant Classification Process June 2021. Collection method: clinical testing. Allele origin: germline. Affected: yes.
Comment: In silico analysis supports that this missense variant has a deleterious effect on protein structure/function; This variant is associated with the following publications: (PMID: 31308188)

Labcorp Genetics (formerly Invitae), Labcorp
Classification: Uncertain significance. Last evaluated: 2022-08-16. Review status: criteria provided, single submitter. Criteria: Invitae Variant Classification Sherloc (09022015). Collection method: clinical testing. Allele origin: germline.
Comment: This sequence change replaces tyrosine, which is neutral and polar, with cysteine, which is neutral and slightly polar, at codon 172 of the LRPPRC protein (p.Tyr172Cys). This variant is present in population databases (rs187584458, gnomAD 0.03%). This missense change has been observed in individual(s) with mitochondrial respiratory chain complex IV deficiency (PMID: 31308188). ClinVar contains an entry for this variant (Variation ID: 1310463). Algorithms developed to predict the effect of missense changes on protein structure and function are either unavailable or do not agree on the potential impact of this missense change (SIFT: "Deleterious"; PolyPhen-2: "Probably Damaging"; Align-GVGD: "Class C0"). In summary, the available evidence is currently insufficient to determine the role of this variant in disease. Therefore, it has been classified as a Variant of Uncertain Significance.

Fulgent Genetics
Classification: Uncertain significance for Congenital lactic acidosis, Saguenay-Lac-Saint-Jean type. Last evaluated: 2021-11-08. Review status: criteria provided, single submitter. Criteria: ACMG Guidelines, 2015. Collection method: clinical testing. Allele origin: unknown.

Literature cited by the submitters: PubMed 31308188 (cited by Labcorp Genetics (formerly Invitae), Labcorp).